The following is an entry in ClinVar:

NM_000718.4(CACNA1B):c.6394C>T (p.Arg2132Cys)

Gene: CACNA1B (calcium voltage-gated channel subunit alpha1 B; plus strand). Cytogenetic location: 9q34.3.
Variant type: single nucleotide variant.
Coding change: c.6394C>T on transcript NM_000718.4 (MANE Select); coding-DNA position 6394, C replaced by T.
Protein change: p.Arg2132Cys; replaces arginine 2132 with cysteine.
Molecular consequence: missense variant.
Genome position (GRCh38, 1-based): chr9:138,120,786, C>T. VCF-style: chr9-138120786-C-T. GRCh37 (hg19) VCF-style: chr9-141015238-C-T.
Other names: c.6394C>T (NM_000718.3); c.6394C>T, p.Arg2132Cys (NM_001243812.2); short protein forms R2132C.
Identifiers: ClinVar variation 2076767 (VCV002076767.6), dbSNP rs952939628, ClinGen allele CA201873119.

ClinVar aggregate classification (germline): Uncertain significance. Review status: criteria provided, multiple submitters, no conflicts (2 of 4 stars). 3 submissions from 3 submitters: Uncertain significance (3). Last evaluated 2026-01-15.

Conditions:
Neurodevelopmental disorder with seizures and nonepileptic hyperkinetic movements. Identifiers: MedGen C5193128, MONDO:0032784, OMIM 618497.

Allele frequency attached by ClinVar (database versions not stated): gnomAD 0.00001; gnomAD exomes 0.00002.
gnomAD v4.1: 26 of 1,554,280 alleles (0.0017%); highest among the groups gnomAD compares: Admixed American, 0.004%; no homozygotes.

Submissions (3):

Labcorp Genetics (formerly Invitae), Labcorp
Classification: Uncertain significance. Last evaluated: 2026-01-15. Review status: criteria provided, single submitter. Criteria: Invitae Variant Classification Sherloc (09022015). Collection method: clinical testing. Allele origin: germline.
Comment: This sequence change replaces arginine, which is basic and polar, with cysteine, which is neutral and slightly polar, at codon 2132 of the CACNA1B protein (p.Arg2132Cys). This variant is present in population databases (no rsID available, gnomAD 0.009%). This variant has not been reported in the literature in individuals affected with CACNA1B-related conditions. ClinVar contains an entry for this variant (Variation ID: 2076767). Invitae Evidence Modeling of protein sequence and biophysical properties (such as structural, functional, and spatial information, amino acid conservation, physicochemical variation, residue mobility, and thermodynamic stability) has been performed for this missense variant. However, the output from this modeling did not meet the statistical confidence thresholds required to predict the impact of this variant on CACNA1B protein function. In summary, the available evidence is currently insufficient to determine the role of this variant in disease. Therefore, it has been classified as a Variant of Uncertain Significance.

Ambry Genetics
Classification: Uncertain significance. Last evaluated: 2025-05-30. Review status: criteria provided, single submitter. Criteria: Ambry Variant Classification Scheme 2023. Collection method: clinical testing. Allele origin: germline.

Genomic Medicine Center of Excellence, King Faisal Specialist Hospital and Research Centre
Classification: Uncertain significance for Neurodevelopmental disorder with seizures and nonepileptic hyperkinetic movements. Last evaluated: 2024-04-04. Review status: criteria provided, single submitter. Criteria: ACMG Guidelines, 2015. Collection method: clinical testing. Allele origin: germline.